The following is an entry in ClinVar:

ClinVar aggregate classification (germline): Benign/Likely benign. Review status: criteria provided, multiple submitters, no conflicts (2 of 4 stars). 6 submissions from 6 submitters: Benign (1); Likely benign (5). Last evaluated 2025-10-01.

Conditions:
Hereditary cancer-predisposing syndrome. Also called: Neoplastic Syndromes, Hereditary; Hereditary Cancer Syndrome; Tumor predisposition; Hereditary neoplastic syndrome. Identifiers: Orphanet 140162, MedGen C0027672, MeSH D009386, MONDO:0015356.
Familial cancer of breast. Also called: Hereditary breast cancer; BREAST CANCER, FAMILIAL; hereditary breast carcinoma. Identifiers: Orphanet 227535, MedGen C0346153, MONDO:0016419, OMIM 114480. Disease mechanism: loss of function.
Ataxia-telangiectasia syndrome (AT). Also called: LOUIS-BAR SYNDROME; Cerebello-oculocutaneous telangiectasia; Immunodeficiency with ataxia telangiectasia; Ataxia-telangiectasia, complementation group D; AT, COMPLEMENTATION GROUP C; Ataxia-telangiectasia, complementation group E. Identifiers: Orphanet 100, MedGen C0004135, MONDO:0008840, OMIM 208900.

Allele frequency attached by ClinVar (database versions not stated): ExAC 0.00001; gnomAD exomes 0.00001.
gnomAD v4.1: 3 of 1,614,206 alleles (0.00019%); highest among the groups gnomAD compares: Non-Finnish European, 0.00025%; no homozygotes.

Submissions (6):

Labcorp Genetics (formerly Invitae), Labcorp
Classification: Likely benign for Ataxia-telangiectasia syndrome. Last evaluated: 2025-10-01. Review status: criteria provided, single submitter. Criteria: Invitae Variant Classification Sherloc (09022015). Collection method: clinical testing. Allele origin: germline.

Myriad Genetics, Inc.
Classification: Benign for Familial cancer of breast. Last evaluated: 2024-06-24. Review status: criteria provided, single submitter. Criteria: Myriad Autosomal Dominant, Autosomal Recessive and X-Linked Classification Criteria (2023). Collection method: clinical testing. Allele origin: unknown.
Comment: This variant is considered benign. This variant is a silent/synonymous amino acid change and it is not expected to impact splicing.

Institute for Biomarker Research, Medical Diagnostic Laboratories, L.L.C.
Classification: Likely benign for Hereditary cancer-predisposing syndrome. Last evaluated: 2024-03-05. Review status: criteria provided, single submitter. Criteria: ACMG Guidelines, 2015. Collection method: clinical testing. Allele origin: germline.

Color Diagnostics, LLC DBA Color Health
Classification: Likely benign for Hereditary cancer-predisposing syndrome. Last evaluated: 2022-05-05. Review status: criteria provided, single submitter. Criteria: ACMG Guidelines, 2015. Collection method: clinical testing. Allele origin: germline.

GeneDx
Classification: Likely benign. Last evaluated: 2016-09-01. Review status: criteria provided, single submitter. Criteria: GeneDx Variant Classification (06012015). Collection method: clinical testing. Allele origin: germline. Affected: yes.
Comment: This variant is considered likely benign or benign based on one or more of the following criteria: it is a conservative change, it occurs at a poorly conserved position in the protein, it is predicted to be benign by multiple in silico algorithms, and/or has population frequency not consistent with disease.

Ambry Genetics
Classification: Likely benign for Hereditary cancer-predisposing syndrome. Last evaluated: 2016-03-18. Review status: criteria provided, single submitter. Criteria: Ambry Variant Classification Scheme 2023. Collection method: clinical testing. Allele origin: germline.

NM_000051.4(ATM):c.8902T>C (p.Leu2968=)

Genes: ATM (ATM serine/threonine kinase; plus strand), C11orf65 (chromosome 11 open reading frame 65; minus strand). Cytogenetic location: 11q22.3.
Variant type: single nucleotide variant.
Coding change: c.8902T>C on transcript NM_000051.4 (MANE Select); coding-DNA position 8902, T replaced by C.
Protein change: p.Leu2968=; no amino-acid change (leucine 2968 retained).
Molecular consequence: synonymous variant. On other transcripts: intron variant (2).
Genome position (GRCh38, 1-based): chr11:108,365,133, T>C. VCF-style: chr11-108365133-T-C. GRCh37 (hg19) VCF-style: chr11-108235860-T-C.
Other names: c.8902T>C, p.Leu2968= (NM_001351834.2); c.640+20787A>G (NM_001330368.2); c.694+20787A>G (NM_001351110.2).
Identifiers: ClinVar variation 389086 (VCV000389086.24), dbSNP rs775313366, ClinGen allele CA6266489.